The following is an entry in ClinVar:

NM_006420.3(ARFGEF2):c.1834C>T (p.Arg612Trp)

Gene: ARFGEF2 (ARF guanine nucleotide exchange factor 2; plus strand). Cytogenetic location: 20q13.13.
Variant type: single nucleotide variant.
Coding change: c.1834C>T on transcript NM_006420.3 (MANE Select); coding-DNA position 1834, C replaced by T.
Protein change: p.Arg612Trp; replaces arginine 612 with tryptophan.
Molecular consequence: missense variant.
Genome position (GRCh38, 1-based): chr20:48,976,075, C>T. VCF-style: chr20-48976075-C-T. GRCh37 (hg19) VCF-style: chr20-47592612-C-T.
Other names: short protein forms R612W.
Identifiers: ClinVar variation 896613 (VCV000896613.5), dbSNP rs370911063, ClinGen allele CA315915178.
Genomic context (GRCh38, chr20:48,976,075, plus strand): 5'-GGTCAGGAGAGGCTCACGGATCAGGAAATAGGGGATGGGAAAGGCCTTGACATGGCAAGA[C>T]GGTGTAGTGTGACGTCCATGGAGTCCACAGTGTCCTCGGGGACCCAGACAACTGTTCAGG-3'
Protein context (NP_006411.2, residues 602-622): GDGKGLDMAR[Arg612Trp]CSVTSMESTV

ClinVar aggregate classification (germline): Conflicting classifications of pathogenicity. Review status: criteria provided, conflicting classifications (1 of 4 stars). 2 submissions from 2 submitters: Uncertain significance (1); Likely benign (1). Last evaluated 2025-06-03.

Conditions:
Periventricular heterotopia with microcephaly, autosomal recessive (ARPHM). Also called: PERIVENTRICULAR NODULAR HETEROTOPIA 2; Periventricular heterotopia with microcephaly. Identifiers: Orphanet 2149, MedGen C1842563, MONDO:0011966, OMIM 608097.

Allele frequency attached by ClinVar (database versions not stated): gnomAD 0.00001; gnomAD exomes 0.00001 and 0.00002; TOPMed 0.00001; ESP Exome Variant Server 0.00008.
gnomAD v4.1: 23 of 1,613,030 alleles (0.0014%); highest among the groups gnomAD compares: Admixed American, 0.0033%; no homozygotes.

Submissions (2):

GeneDx
Classification: Likely benign. Last evaluated: 2025-06-03. Review status: criteria provided, single submitter. Criteria: GeneDx Variant Classification Process June 2021. Collection method: clinical testing. Allele origin: germline. Affected: yes.
Comment: See Variant Classification Assertion Criteria.

Illumina Laboratory Services, Illumina
Classification: Uncertain significance for Periventricular heterotopia with microcephaly, autosomal recessive. Last evaluated: 2018-01-12. Review status: criteria provided, single submitter. Criteria: ICSL Variant Classification Criteria 13 December 2019. Collection method: clinical testing. Allele origin: germline.